The following is an entry in ClinVar:

ClinVar aggregate classification (germline): Uncertain significance (1 of 4 stars; one submission).

Conditions:
Cardiovascular phenotype. Identifiers: MedGen CN230736.

gnomAD v4.1: 9 of 1,481,636 alleles (0.00061%); highest among the groups gnomAD compares: Non-Finnish European, 0.0008%; no homozygotes.

Submission:

Ambry Genetics
Classification: Uncertain significance for Cardiovascular phenotype. Last evaluated: 2024-01-22. Review status: criteria provided, single submitter. Criteria: Ambry Variant Classification Scheme 2023. Collection method: clinical testing. Allele origin: germline.
Comment: The p.S63C variant (also known as c.188C>G), located in coding exon 1 of the GATA4 gene, results from a C to G substitution at nucleotide position 188. The serine at codon 63 is replaced by cysteine, an amino acid with dissimilar properties. This amino acid position is conserved. In addition, the in silico prediction for this alteration is inconclusive. Based on the available evidence, the clinical significance of this alteration remains unclear.

NM_001308093.3(GATA4):c.188C>G (p.Ser63Cys)

Gene: GATA4 (GATA binding protein 4). Cytogenetic location: 8p23.1.
Variant type: single nucleotide variant.
Coding change: c.188C>G on transcript NM_001308093.3 (MANE Select); coding-DNA position 188, C replaced by G.
Protein change: p.Ser63Cys; replaces serine 63 with cysteine.
Molecular consequence: missense variant. On other transcripts: intron variant (3).
Genome position (GRCh38, 1-based): chr8:11,708,500, C>G. VCF-style: chr8-11708500-C-G. GRCh37 (hg19) VCF-style: chr8-11566009-C-G.
Other names: c.188C>G, p.Ser63Cys (NM_002052.5); c.-6+7722C>G (NM_001308094.2); c.-3+486C>G (NM_001374274.1); c.-3+4196C>G (NM_001374273.1); short protein forms S63C.
Identifiers: ClinVar variation 3221986 (VCV003221986.1), dbSNP rs2486779553, ClinGen allele CA370309111.